The following is an entry in ClinVar:

ClinVar aggregate classification (germline): Pathogenic (1 of 4 stars; one submission).

Submission:

Labcorp Genetics (formerly Invitae), Labcorp
Classification: Pathogenic. Last evaluated: 2023-07-21. Review status: criteria provided, single submitter. Criteria: Invitae Variant Classification Sherloc (09022015). Collection method: clinical testing. Allele origin: germline.
Comment: This sequence change creates a premature translational stop signal (p.Phe450Leufs*9) in the IMPG1 gene. It is expected to result in an absent or disrupted protein product. Loss-of-function variants in IMPG1 are known to be pathogenic (PMID: 23993198). This variant is not present in population databases (gnomAD no frequency). This variant has not been reported in the literature in individuals affected with IMPG1-related conditions. For these reasons, this variant has been classified as Pathogenic.

Literature cited by the submitters: PubMed 23993198.

NM_001563.4(IMPG1):c.1350_1353del (p.Phe450fs)

Gene: IMPG1 (interphotoreceptor matrix proteoglycan 1; minus strand). Cytogenetic location: 6q14.1.
Variant type: Microsatellite.
Coding change: c.1350_1353del on transcript NM_001563.4 (MANE Select); coding-DNA positions 1350 to 1353, 4 bases deleted (CTTT; older notation c.1350_1353delCTTT).
Protein change: p.Phe450fs; shifts the reading frame from phenylalanine 450.
Molecular consequence: frameshift variant.
Genome position (GRCh38, 1-based): chr6:75,951,033-75,951,036, AAAG deleted on the plus strand (CTTT on the coding strand, the reverse complement: IMPG1 is on the minus strand); deleting any 4 consecutive bases within chr6:75,951,033-75,951,040 gives the same sequence; the c. name uses the placement nearest the transcript's 3' end. VCF-style (leftmost placement, unchanged base first): chr6-75951032-TAAAG-T. GRCh37 (hg19) VCF-style: chr6-76660749-TAAAG-T.
Other names: c.1116_1119del, p.Phe372fs (NM_001282368.2); short protein forms F372fs, F450fs.
Identifiers: ClinVar variation 2044058 (VCV002044058.4), dbSNP rs1329286555, ClinGen allele CA828162449.